The following is an entry in ClinVar:

NM_004281.4(BAG3):c.494C>T (p.Ser165Phe)

Gene: BAG3 (BAG cochaperone 3; plus strand). Cytogenetic location: 10q26.11.
Variant type: single nucleotide variant.
Coding change: c.494C>T on transcript NM_004281.4 (MANE Select); coding-DNA position 494, C replaced by T.
Protein change: p.Ser165Phe; replaces serine 165 with phenylalanine.
Molecular consequence: missense variant.
Genome position (GRCh38, 1-based): chr10:119,670,164, C>T. VCF-style: chr10-119670164-C-T. GRCh37 (hg19) VCF-style: chr10-121429676-C-T.
Other names: c.494C>T (NM_004281.3); short protein forms S165F.
Identifiers: ClinVar variation 993508 (VCV000993508.17), dbSNP rs143756613, ClinGen allele CA5716333.

ClinVar aggregate classification (germline): Uncertain significance. Review status: criteria provided, multiple submitters, no conflicts (2 of 4 stars). 4 submissions from 4 submitters: Uncertain significance (4). Last evaluated 2026-08-11.

Conditions:
BAG3-related disorder. Also called: BAG3-related condition.
Cardiovascular phenotype. Identifiers: MedGen CN230736.
Dilated cardiomyopathy 1HH (CMD1HH). Identifiers: Orphanet 154, MedGen C3151293, MONDO:0013479, OMIM 613881.
Myofibrillar myopathy 6. Identifiers: Orphanet 199340, MedGen C2751831, MONDO:0013061, OMIM 612954.

Allele frequency attached by ClinVar (database versions not stated): gnomAD exomes 0.00001 and 0.00007; gnomAD 0.00002 and 0.00003; ExAC 0.00003; TOPMed 0.00005.
gnomAD v4.1: 96 of 1,610,214 alleles (0.006%); highest among the groups gnomAD compares: Non-Finnish European, 0.008%; no homozygotes.

Submissions (4):

PreventionGenetics, part of Exact Sciences
Classification: Uncertain significance for BAG3-related condition. Last evaluated: 2026-08-11. Review status: criteria provided, single submitter. Criteria: ACMG Guidelines, 2015. Collection method: clinical testing. Allele origin: germline.
Comment: The BAG3 c.494C>T variant is predicted to result in the amino acid substitution p.Ser165Phe. This variant has been reported in an individual with Charcot-Marie-Tooth disease; however, it was not considered to be a primary cause of disease (Grosz et al. 2019. PubMed ID: 31852952). This variant is reported in 0.0033% of alleles in individuals of South Asian descent in gnomAD. At this time, the clinical significance of this variant is uncertain due to the absence of conclusive functional and genetic evidence.

Labcorp Genetics (formerly Invitae), Labcorp
Classification: Uncertain significance for Dilated cardiomyopathy 1HH; Myofibrillar myopathy 6. Last evaluated: 2025-04-08. Review status: criteria provided, single submitter. Criteria: Invitae Variant Classification Sherloc (09022015). Collection method: clinical testing. Allele origin: germline.
Comment: This sequence change replaces serine, which is neutral and polar, with phenylalanine, which is neutral and non-polar, at codon 165 of the BAG3 protein (p.Ser165Phe). This variant is present in population databases (rs143756613, gnomAD 0.003%). This variant has not been reported in the literature in individuals affected with BAG3-related conditions. ClinVar contains an entry for this variant (Variation ID: 993508). Invitae Evidence Modeling of protein sequence and biophysical properties (such as structural, functional, and spatial information, amino acid conservation, physicochemical variation, residue mobility, and thermodynamic stability) indicates that this missense variant is not expected to disrupt BAG3 protein function with a negative predictive value of 80%. In summary, the available evidence is currently insufficient to determine the role of this variant in disease. Therefore, it has been classified as a Variant of Uncertain Significance.

Ambry Genetics
Classification: Uncertain significance for Cardiovascular phenotype. Last evaluated: 2023-05-30. Review status: criteria provided, single submitter. Criteria: Ambry Variant Classification Scheme 2023. Collection method: clinical testing. Allele origin: germline.
Comment: The p.S165F variant (also known as c.494C>T), located in coding exon 2 of the BAG3 gene, results from a C to T substitution at nucleotide position 494. The serine at codon 165 is replaced by phenylalanine, an amino acid with highly dissimilar properties. This amino acid position is not well conserved in available vertebrate species. In addition, this alteration is predicted to be tolerated by in silico analysis. Since supporting evidence is limited at this time, the clinical significance of this alteration remains unclear.

ARUP Laboratories, Molecular Genetics and Genomics, ARUP Laboratories
Classification: Uncertain significance. Last evaluated: 2020-05-07. Review status: criteria provided, single submitter. Criteria: ARUP Molecular Germline Variant Investigation Process. Collection method: clinical testing. Allele origin: germline.
Comment: The BAG3 c.494C>T; p.Ser165Phe variant (rs143756613) is reported in the literature in an individual affected with Charcot-Marie-Tooth neuropathy type 3, but this variant did not segregate with disease in the family, and the proband carried a de novo EGR2 variant that explained their phenotype (Grosz 2019). This variant is only observed on three alleles in the Genome Aggregation Database, indicating it is not a common polymorphism. The serine at codon 165 is moderately conserved, and computational analyses (SIFT, PolyPhen-2) predict that this variant is tolerated. While available evidence suggests that this variant is unlikely to cause a neuropathy, it is uncertain whether it could be associated with a cardiomyopathy phenotype. Therefore the clinical significance of the p.Ser165Phe variant is uncertain at this time. References: Grosz BR et al. A de novo EGR2 variant, c.1232A?>?G p.Asp411Gly, causes severe early-onset Charcot-Marie-Tooth Neuropathy Type 3 (Dejerine-Sottas Neuropathy). Sci Rep. 2019;9(1):19336.